The following is an entry in ClinVar:

ClinVar aggregate classification (germline): Uncertain significance. Review status: criteria provided, multiple submitters, no conflicts (2 of 4 stars). 2 submissions from 2 submitters: Uncertain significance (2). Last evaluated 2024-10-24.

Allele frequency attached by ClinVar (database versions not stated): gnomAD 0.00005 and 0.00007; ESP Exome Variant Server 0.00008; ExAC 0.00030.
gnomAD v4.1: 75 of 1,552,740 alleles (0.0048%); highest among the groups gnomAD compares: South Asian, 0.047%; no homozygotes.

Submissions (2):

Blueprint Genetics
Classification: Uncertain significance. Last evaluated: 2024-10-24. Review status: criteria provided, single submitter. Criteria: ACMG Guidelines, 2015. Collection method: clinical testing. Allele origin: germline.

Labcorp Genetics (formerly Invitae), Labcorp
Classification: Uncertain significance. Last evaluated: 2022-09-27. Review status: criteria provided, single submitter. Criteria: Invitae Variant Classification Sherloc (09022015). Collection method: clinical testing. Allele origin: germline.
Comment: This sequence change falls in intron 2 of the ECHS1 gene. It does not directly change the encoded amino acid sequence of the ECHS1 protein. It affects a nucleotide within the consensus splice site. This variant is present in population databases (rs371517085, gnomAD 0.05%). This variant has not been reported in the literature in individuals affected with ECHS1-related conditions. ClinVar contains an entry for this variant (Variation ID: 1446705). Variants that disrupt the consensus splice site are a relatively common cause of aberrant splicing (PMID: 17576681, 9536098). Algorithms developed to predict the effect of sequence changes on RNA splicing suggest that this variant is not likely to affect RNA splicing. In summary, the available evidence is currently insufficient to determine the role of this variant in disease. Therefore, it has been classified as a Variant of Uncertain Significance.

Literature cited by the submitters: PubMed 17576681 (cited by Labcorp Genetics (formerly Invitae), Labcorp); PubMed 9536098 (cited by Labcorp Genetics (formerly Invitae), Labcorp).

NM_004092.4(ECHS1):c.286+5G>A

Gene: ECHS1 (enoyl-CoA hydratase, short chain 1; minus strand). Cytogenetic location: 10q26.3.
Variant type: single nucleotide variant.
Coding change: c.286+5G>A on transcript NM_004092.4 (MANE Select); 5 bases into the intron after coding-DNA position 286, G replaced by A.
Molecular consequence: intron variant.
Genome position (GRCh38, 1-based): chr10:133,370,555, C>T on the plus strand (G>A on the coding strand, the complement: ECHS1 is on the minus strand). VCF-style: chr10-133370555-C-T. GRCh37 (hg19) VCF-style: chr10-135184059-C-T.
Identifiers: ClinVar variation 1446705 (VCV001446705.4), dbSNP rs371517085, ClinGen allele CA5765831.